The following is an entry in ClinVar:

NM_001482.3(GATM):c.752C>T (p.Pro251Leu)

Gene: GATM (glycine amidinotransferase; minus strand). Cytogenetic location: 15q21.1.
Variant type: single nucleotide variant.
Coding change: c.752C>T on transcript NM_001482.3 (MANE Select); coding-DNA position 752, C replaced by T.
Protein change: p.Pro251Leu; replaces proline 251 with leucine.
Molecular consequence: missense variant.
Genome position (GRCh38, 1-based): chr15:45,366,432, G>A on the plus strand (C>T on the coding strand, the complement: GATM is on the minus strand). VCF-style: chr15-45366432-G-A. GRCh37 (hg19) VCF-style: chr15-45658630-G-A.
Other names: c.365C>T, p.Pro122Leu (NM_001321015.2); short protein forms P122L, P251L.
Identifiers: ClinVar variation 941320 (VCV000941320.13), dbSNP rs1424827158, ClinGen allele CA392258899.
Genomic context (GRCh38, chr15:45,366,432, plus strand): 5'-TGGCTTCTCTGTGCAAAAATATCTCTTCCAGCTCGAATGAAGTCAGCAGCATCAAAGCAT[G>A]GCTCAAACTCAGTTGTCACAAATTTTCCCTGAGCAGCCAATTTGTGTCTGTCTTCTACAG-3'
Protein context (NP_001473.1, residues 241-261): QGKFVTTEFE[Pro251Leu]CFDAADFIRA

ClinVar aggregate classification (germline): Uncertain significance. Review status: criteria provided, multiple submitters, no conflicts (2 of 4 stars). 4 submissions from 4 submitters: Uncertain significance (4). Last evaluated 2025-06-16.

Conditions:
Fanconi renotubular syndrome 1. Also called: Toni-Debre-Fanconi syndrome; Neonatal De Toni-Debre-Fanconi syndrome; De Toni-Fanconi syndrome; FRTS1; LUDER-SHELDON SYNDROME. Identifiers: MedGen C4551503, MONDO:0024525, OMIM 134600.
Arginine:glycine amidinotransferase deficiency (CCDS3). Also called: AGAT deficiency; Creatine deficiency syndrome due to AGAT deficiency; GATM deficiency; L-Arginine:Glycine Amidinotransferase (AGAT) Deficiency; Cerebral creatine deficiency syndrome 3; L-Arginine:Glycine Amidinotransferase Deficiency. Identifiers: Orphanet 35704, MedGen C2675179, MONDO:0012996, OMIM 612718.
Inborn genetic diseases. Identifiers: MedGen C0950123, MeSH D030342.

Allele frequency attached by ClinVar (database versions not stated): gnomAD exomes below 0.00001; TOPMed 0.00002.
gnomAD v4.1: 2 of 1,614,120 alleles (0.00012%); highest among the groups gnomAD compares: Admixed American, 0.0017%; no homozygotes.

Submissions (4):

Ambry Genetics
Classification: Uncertain significance for Inborn genetic diseases. Last evaluated: 2025-06-16. Review status: criteria provided, single submitter. Criteria: Ambry Variant Classification Scheme 2023. Collection method: clinical testing. Allele origin: germline.

GeneDx
Classification: Uncertain significance. Last evaluated: 2025-04-30. Review status: criteria provided, single submitter. Criteria: GeneDx Variant Classification Process June 2021. Collection method: clinical testing. Allele origin: germline. Affected: yes.
Comment: Not observed at significant frequency in large population cohorts (gnomAD); In silico analysis supports that this missense variant has a deleterious effect on protein structure/function; Has not been previously published as pathogenic or benign to our knowledge

Labcorp Genetics (formerly Invitae), Labcorp
Classification: Uncertain significance for Arginine:glycine amidinotransferase deficiency. Last evaluated: 2024-01-08. Review status: criteria provided, single submitter. Criteria: Invitae Variant Classification Sherloc (09022015). Collection method: clinical testing. Allele origin: germline.
Comment: This sequence change replaces proline, which is neutral and non-polar, with leucine, which is neutral and non-polar, at codon 251 of the GATM protein (p.Pro251Leu). This variant is present in population databases (no rsID available, gnomAD 0.003%). This variant has not been reported in the literature in individuals affected with GATM-related conditions. ClinVar contains an entry for this variant (Variation ID: 941320). Advanced modeling of protein sequence and biophysical properties (such as structural, functional, and spatial information, amino acid conservation, physicochemical variation, residue mobility, and thermodynamic stability) performed at Invitae indicates that this missense variant is expected to disrupt GATM protein function with a positive predictive value of 80%. In summary, the available evidence is currently insufficient to determine the role of this variant in disease. Therefore, it has been classified as a Variant of Uncertain Significance.

Fulgent Genetics
Classification: Uncertain significance for Fanconi renotubular syndrome 1; Arginine:glycine amidinotransferase deficiency. Last evaluated: 2022-04-20. Review status: criteria provided, single submitter. Criteria: ACMG Guidelines, 2015. Collection method: clinical testing. Allele origin: unknown.